The following is an entry in ClinVar:

NM_002878.4(RAD51D):c.931A>C (p.Ile311Leu)

Genes: RAD51D (RAD51 paralog D; minus strand), RAD51L3-RFFL (RAD51L3-RFFL readthrough; minus strand). Cytogenetic location: 17q12.
Variant type: single nucleotide variant.
Coding change: c.931A>C on transcript NM_002878.4 (MANE Select); coding-DNA position 931, A replaced by C.
Protein change: p.Ile311Leu; replaces isoleucine 311 with leucine.
Molecular consequence: missense variant. On other transcripts: non-coding transcript variant (2).
Genome position (GRCh38, 1-based): chr17:35,101,009, T>G on the plus strand (A>C on the coding strand, the complement: RAD51D is on the minus strand). VCF-style: chr17-35101009-T-G. GRCh37 (hg19) VCF-style: chr17-33428028-T-G.
Other names: c.991A>C, p.Ile331Leu (NM_001142571.2); c.595A>C, p.Ile199Leu (NM_133629.3); short protein forms I311L, I199L, I331L.
Identifiers: ClinVar variation 960865 (VCV000960865.7), dbSNP rs755265519, ClinGen allele CA8499309.
Genomic context (GRCh38, chr17:35,101,009, plus strand): 5'-CAGGTCATGTCTGATCACCCTGTAATGTGGCACTCTGCTCTGAGGTCCCCCAGGTCCCAA[T>G]GTCTACCATCTCCTGGAAACCTGTTGGCTGGAAGAAGAAGTAAGGAGTCAGTGGAGTTAA-3'
Protein context (NP_002869.3, residues 301-321): QPTGFQEMVD[Ile311Leu]GTWGTSEQSA

ClinVar aggregate classification (germline): Uncertain significance. Review status: criteria provided, multiple submitters, no conflicts (2 of 4 stars). 2 submissions from 2 submitters: Uncertain significance (2). Last evaluated 2025-05-21.

Conditions:
Hereditary cancer-predisposing syndrome. Also called: Tumor predisposition; Hereditary neoplastic syndrome; Neoplastic Syndromes, Hereditary; Hereditary Cancer Syndrome. Identifiers: Orphanet 140162, MedGen C0027672, MeSH D009386, MONDO:0015356.
Breast-ovarian cancer, familial, susceptibility to, 4. Identifiers: Orphanet 145, MedGen C3280345, MONDO:0013669, OMIM 614291.

Allele frequency attached by ClinVar (database versions not stated): gnomAD below 0.00001 and 0.00001; ExAC 0.00002.
gnomAD v4.1: 6 of 1,613,790 alleles (0.00037%); highest among the groups gnomAD compares: South Asian, 0.0055%; no homozygotes.

Submissions (2):

Labcorp Genetics (formerly Invitae), Labcorp
Classification: Uncertain significance for Breast-ovarian cancer, familial, susceptibility to, 4. Last evaluated: 2025-05-21. Review status: criteria provided, single submitter. Criteria: Invitae Variant Classification Sherloc (09022015). Collection method: clinical testing. Allele origin: germline.
Comment: This sequence change replaces isoleucine, which is neutral and non-polar, with leucine, which is neutral and non-polar, at codon 311 of the RAD51D protein (p.Ile311Leu). This variant is present in population databases (rs755265519, gnomAD 0.006%). This variant has not been reported in the literature in individuals affected with RAD51D-related conditions. ClinVar contains an entry for this variant (Variation ID: 960865). Invitae Evidence Modeling of protein sequence and biophysical properties (such as structural, functional, and spatial information, amino acid conservation, physicochemical variation, residue mobility, and thermodynamic stability) indicates that this missense variant is not expected to disrupt RAD51D protein function with a negative predictive value of 80%. In summary, the available evidence is currently insufficient to determine the role of this variant in disease. Therefore, it has been classified as a Variant of Uncertain Significance.

Ambry Genetics
Classification: Uncertain significance for Hereditary cancer-predisposing syndrome. Last evaluated: 2024-07-26. Review status: criteria provided, single submitter. Criteria: Ambry Variant Classification Scheme 2023. Collection method: clinical testing. Allele origin: germline.
Comment: The p.I311L variant (also known as c.931A>C), located in coding exon 10 of the RAD51D gene, results from an A to C substitution at nucleotide position 931. The isoleucine at codon 311 is replaced by leucine, an amino acid with highly similar properties. This amino acid position is conserved. In addition, this alteration is predicted to be tolerated by in silico analysis. Based on the available evidence, the clinical significance of this variant remains unclear.